The following is an entry in ClinVar:

ClinVar aggregate classification (germline): Likely benign (1 of 4 stars; one submission).

Conditions:
Autoimmune lymphoproliferative syndrome type 2A (ALPS2A). Also called: CASP10-Related Autoimmune Lymphoproliferative Syndrome; Autoimmune lymphoproliferative syndrome type 2; AUTOIMMUNE LYMPHOPROLIFERATIVE SYNDROME, TYPE IIA. Identifiers: Orphanet 3261, MedGen C1858968, MONDO:0011383, OMIM 603909.

Allele frequency attached by ClinVar (database versions not stated): 1000 Genomes Project 0.00020; 1000 Genomes Project 30x 0.00047; TOPMed 0.00008.

Submission:

Illumina Laboratory Services, Illumina
Classification: Likely benign for Autoimmune lymphoproliferative syndrome type 2A. Last evaluated: 2017-04-27. Review status: criteria provided, single submitter. Criteria: ICSL Variant Classification Criteria 13 December 2019. Collection method: clinical testing. Allele origin: germline.
Comment: This variant was observed as part of a predisposition screen in an ostensibly healthy population. A literature search was performed for the gene, cDNA change, and amino acid change (where applicable). No publications were found based on this search. Allele frequency data from public databases allowed determination this variant is unlikely to cause disease. Therefore, this variant is classified as likely benign.

NM_032977.3(CASP10):c.-285C>T

Gene: CASP10 (caspase 10; plus strand). Cytogenetic location: 2q33.1.
Variant type: single nucleotide variant.
Coding change: c.-285C>T on transcript NM_032977.3; 285 bases upstream of the start codon, C replaced by T.
Genome position (GRCh38, 1-based): chr2:201,183,031, C>T. VCF-style: chr2-201183031-C-T. GRCh37 (hg19) VCF-style: chr2-202047754-C-T.
Identifiers: ClinVar variation 333413 (VCV000333413.7), dbSNP rs530526445, ClinGen allele CA10611951.